The following is an entry in ClinVar:

NM_004168.4(SDHA):c.486A>G (p.Arg162=)

Gene: SDHA (succinate dehydrogenase complex flavoprotein subunit A; plus strand). Cytogenetic location: 5p15.33.
Variant type: single nucleotide variant.
Coding change: c.486A>G on transcript NM_004168.4 (MANE Select); coding-DNA position 486, A replaced by G.
Protein change: p.Arg162=; no amino-acid change (arginine 162 retained).
Molecular consequence: synonymous variant.
Genome position (GRCh38, 1-based): chr5:225,912, A>G. VCF-style: chr5-225912-A-G. GRCh37 (hg19) VCF-style: chr5-226027-A-G.
Other names: c.342A>G, p.Arg114= (NM_001294332.2); c.486A>G, p.Arg162= (NM_001330758.2).
Identifiers: ClinVar variation 795293 (VCV000795293.14), dbSNP rs1479127918, ClinGen allele CA442691097.

ClinVar aggregate classification (germline): Benign/Likely benign. Review status: criteria provided, multiple submitters, no conflicts (2 of 4 stars). 3 submissions from 3 submitters: Benign (1); Likely benign (2). Last evaluated 2025-02-28.

Conditions:
Pheochromocytoma/paraganglioma syndrome 5. Also called: Paragangliomas 5; SDHA-Related Hereditary Paraganglioma-Pheochromocytoma Syndrome. Identifiers: Orphanet 29072, MedGen C3279992, MONDO:0013602, OMIM 614165.
Mitochondrial complex II deficiency, nuclear type 1. Also called: SUCCINATE CoQ REDUCTASE DEFICIENCY. Identifiers: Orphanet 3208, MedGen C5700310, MONDO:0100294, OMIM 252011.
Hereditary cancer-predisposing syndrome. Also called: Tumor predisposition; Hereditary neoplastic syndrome; Neoplastic Syndromes, Hereditary; Hereditary Cancer Syndrome. Identifiers: Orphanet 140162, MedGen C0027672, MeSH D009386, MONDO:0015356.

Submissions (3):

Myriad Genetics, Inc.
Classification: Benign for Pheochromocytoma/paraganglioma syndrome 5. Last evaluated: 2025-02-28. Review status: criteria provided, single submitter. Criteria: Myriad Autosomal Dominant, Autosomal Recessive and X-Linked Classification Criteria (2023). Collection method: clinical testing. Allele origin: unknown.
Comment: This variant is considered benign. This variant is a silent/synonymous amino acid change and it is not expected to impact splicing.

Labcorp Genetics (formerly Invitae), Labcorp
Classification: Likely benign for Pheochromocytoma/paraganglioma syndrome 5; Mitochondrial complex II deficiency, nuclear type 1. Last evaluated: 2024-11-05. Review status: criteria provided, single submitter. Criteria: Invitae Variant Classification Sherloc (09022015). Collection method: clinical testing. Allele origin: germline.

Ambry Genetics
Classification: Likely benign for Hereditary cancer-predisposing syndrome. Last evaluated: 2022-06-28. Review status: criteria provided, single submitter. Criteria: Ambry Variant Classification Scheme 2023. Collection method: clinical testing. Allele origin: germline.